The following is an entry in ClinVar:

NM_000186.4(CFH):c.3550A>C (p.Thr1184Pro)

Gene: CFH (complement factor H; plus strand). Cytogenetic location: 1q31.3.
Variant type: single nucleotide variant.
Coding change: c.3550A>C on transcript NM_000186.4 (MANE Select); coding-DNA position 3550, A replaced by C.
Protein change: p.Thr1184Pro; replaces threonine 1184 with proline.
Molecular consequence: missense variant.
Genome position (GRCh38, 1-based): chr1:196,747,167, A>C. VCF-style: chr1-196747167-A-C. GRCh37 (hg19) VCF-style: chr1-196716297-A-C.
Other names: short protein forms T1184P.
Identifiers: ClinVar variation 4291604 (VCV004291604.1).

ClinVar aggregate classification (germline): Uncertain significance (1 of 4 stars; one submission).

Conditions:
Atypical hemolytic-uremic syndrome. Identifiers: Orphanet 2134, MedGen C2931788, MONDO:0016244.
Basal laminar drusen. Also called: DRUSEN OF BRUCH MEMBRANE; DRUSEN, CUTICULAR; DRUSEN, EARLY ADULT-ONSET, GROUPED. Identifiers: Orphanet 75376, MedGen C0730295, MONDO:0007472, OMIM 126700.
Factor H deficiency (CFHD). Also called: COMPLEMENT FACTOR H DEFICIENCY; CFH DEFICIENCY. Identifiers: Orphanet 200421, MedGen C0398777, MONDO:0012350, OMIM 609814.
Age related macular degeneration 4. Identifiers: MedGen C1853147, MONDO:0012540, OMIM 610698.

Submission:

Genomenon, Inc
Classification: Uncertain significance for Basal laminar drusen; Age related macular degeneration 4; Atypical hemolytic-uremic syndrome; Factor H deficiency. Last evaluated: 2025-10-02. Review status: criteria provided, single submitter. Criteria: Genomenon Sequence Variant Interpretation Standards - Updated. Collection method: curation. Allele origin: germline. Affected: no.
Comment: CFH p.Thr1184Pro (c.3550A>C) is a missense variant that changes the amino acid at residue 1184 from Threonine to Proline. This variant has been reported in the published literature (PMID:34189567). It is absent or not present at a significant frequency in gnomAD. In silico models agree that this variant is not damaging. In conclusion, we classify CFH p.Thr1184Pro (c.3550A>C) as a variant of uncertain significance.

Literature cited by the submitters: PubMed 34189567.